The following is an entry in ClinVar:

ClinVar aggregate classification (germline): Uncertain significance (1 of 4 stars; one submission).

Conditions:
Cardiovascular phenotype. Identifiers: MedGen CN230736.
Hereditary cancer-predisposing syndrome. Also called: Tumor predisposition; Hereditary neoplastic syndrome; Neoplastic Syndromes, Hereditary; Hereditary Cancer Syndrome. Identifiers: Orphanet 140162, MedGen C0027672, MeSH D009386, MONDO:0015356.

Submission:

Ambry Genetics
Classification: Uncertain significance for Cardiovascular phenotype; Hereditary cancer-predisposing syndrome. Last evaluated: 2025-04-14. Review status: criteria provided, single submitter. Criteria: Ambry Variant Classification Scheme 2023. Collection method: clinical testing. Allele origin: germline.
Comment: The p.L345H variant (also known as c.1034T>A), located in coding exon 9 of the NF1 gene, results from a T to A substitution at nucleotide position 1034. The leucine at codon 345 is replaced by histidine, an amino acid with similar properties. This amino acid position is conserved. In addition, the in silico prediction for this alteration is inconclusive. Based on the available evidence, the clinical significance of this variant remains unclear.

NM_001042492.3(NF1):c.1034T>A (p.Leu345His)

Gene: NF1 (neurofibromin 1; plus strand). Cytogenetic location: 17q11.2.
Variant type: single nucleotide variant.
Coding change: c.1034T>A on transcript NM_001042492.3 (MANE Select); coding-DNA position 1034, T replaced by A.
Protein change: p.Leu345His; replaces leucine 345 with histidine.
Molecular consequence: missense variant.
Genome position (GRCh38, 1-based): chr17:31,200,567, T>A. VCF-style: chr17-31200567-T-A. GRCh37 (hg19) VCF-style: chr17-29527585-T-A.
Other names: c.1034T>A, p.Leu345His (NM_000267.4, NM_001128147.3); short protein forms L345H.
Identifiers: ClinVar variation 4022317 (VCV004022317.1).
Genomic context (GRCh38, chr17:31,200,567, plus strand): 5'-TCAAACTGTGTAAAGCAAGTACTTACATCAATTGGGAAGATAACTCTGTCATTTTCCTAC[T>A]TGTTCAGTCCATGGTGGTTGATCTTAAGGTAACATGCTTATTCTTTCTCTACTACAAACT-3'
Protein context (NP_001035957.1, residues 335-355): NWEDNSVIFL[Leu345His]VQSMVVDLKN